The following is an entry in ClinVar:

NM_080732.4(EGLN2):c.24G>C (p.Gln8His)

Genes: EGLN2 (egl-9 family hypoxia inducible factor 2; plus strand), RAB4B-EGLN2 (RAB4B-EGLN2 readthrough (NMD candidate); plus strand). Cytogenetic location: 19q13.2.
Variant type: single nucleotide variant.
Coding change: c.24G>C on transcript NM_080732.4 (MANE Select); coding-DNA position 24, G replaced by C.
Protein change: p.Gln8His; replaces glutamine 8 with histidine.
Molecular consequence: missense variant. On other transcripts: non-coding transcript variant (1).
Genome position (GRCh38, 1-based): chr19:40,800,596, G>C. VCF-style: chr19-40800596-G-C. GRCh37 (hg19) VCF-style: chr19-41306501-G-C.
Other names: c.24G>C, p.Gln8His (NM_053046.4); short protein forms Q8H.
Identifiers: ClinVar variation 1792233 (VCV001792233.2), dbSNP rs2515992442, ClinGen allele CA405954406.

ClinVar aggregate classification (germline): Uncertain significance (1 of 4 stars; one submission).

Submission:

Ambry Genetics
Classification: Uncertain significance. Last evaluated: 2022-02-25. Review status: criteria provided, single submitter. Criteria: Ambry Variant Classification Scheme 2023. Collection method: clinical testing. Allele origin: germline.
Comment: The p.Q8H variant (also known as c.24G>C), located in coding exon 1 of the EGLN2 gene, results from a G to C substitution at nucleotide position 24. The glutamine at codon 8 is replaced by histidine, an amino acid with highly similar properties. This amino acid position is conserved. In addition, this alteration is predicted to be tolerated by in silico analysis. Since supporting evidence is limited at this time, the clinical significance of this alteration remains unclear.